The following is an entry in ClinVar:

ClinVar aggregate classification (germline): Likely pathogenic (1 of 4 stars; one submission).

Conditions:
Neuromuscular disease caused by qualitative or quantitative defects of dysferlin. Also called: Qualitative or quantitative defects of dysferlin; Dysferlinopathy. Identifiers: Orphanet 207073, MedGen C2931687, MONDO:0016145.

Submission:

Labcorp Genetics (formerly Invitae), Labcorp
Classification: Likely pathogenic for Neuromuscular disease caused by qualitative or quantitative defects of dysferlin. Last evaluated: 2026-01-19. Review status: criteria provided, single submitter. Criteria: Invitae Variant Classification Sherloc (09022015). Collection method: clinical testing. Allele origin: germline.
Comment: This sequence change affects an acceptor splice site in intron 3 of the DYSF gene. It is expected to disrupt RNA splicing. Variants that disrupt the donor or acceptor splice site typically lead to a loss of protein function (PMID: 16199547), and loss-of-function variants in DYSF are known to be pathogenic (PMID: 17698709, 20301480). This variant is not present in population databases (gnomAD no frequency). Disruption of this splice site has been observed in individual(s) with clinical features of DYSF-related disorders (PMID: 36575883). Algorithms developed to predict the effect of sequence changes on RNA splicing suggest that this variant may disrupt the consensus splice site. In summary, the currently available evidence indicates that the variant is pathogenic, but additional data are needed to prove that conclusively. Therefore, this variant has been classified as Likely Pathogenic.

Literature cited by the submitters: PubMed 16199547; PubMed 17698709; PubMed 20301480; PubMed 36575883.

NM_001130987.2(DYSF):c.240-2A>G

Gene: DYSF (dysferlin; plus strand). Cytogenetic location: 2p13.2.
Variant type: single nucleotide variant.
Coding change: c.240-2A>G on transcript NM_001130987.2 (MANE Select); the canonical splice acceptor site of the intron before coding-DNA position 240, A replaced by G.
Molecular consequence: splice acceptor variant.
Genome position (GRCh38, 1-based): chr2:71,503,212, A>G. VCF-style: chr2-71503212-A-G. GRCh37 (hg19) VCF-style: chr2-71730342-A-G.
Other names: c.237-2A>G (NM_001130979.2, NM_001130981.2, NM_001130980.2 and 4 more transcripts); c.240-2A>G (NM_001130982.2, NM_001130985.2, NM_001130983.2 and 3 more transcripts).
Identifiers: ClinVar variation 4770056 (VCV004770056.1).